The following is an entry in ClinVar:

ClinVar aggregate classification (germline): Uncertain significance (1 of 4 stars; one submission).

Conditions:
Joubert syndrome 23 (JBTS23). Identifiers: Orphanet 475, MedGen C4084822, MONDO:0014664, OMIM 616490.
Short-rib thoracic dysplasia 14 with polydactyly (SRTD14). Identifiers: Orphanet 397715, MedGen C4225286, MONDO:0014688, OMIM 616546.

Allele frequency attached by ClinVar (database versions not stated): ESP Exome Variant Server 0.00009.
gnomAD v4.1: 5 of 1,563,802 alleles (0.00032%); highest among the groups gnomAD compares: African/African-American, 0.0069%; no homozygotes.

Submission:

Labcorp Genetics (formerly Invitae), Labcorp
Classification: Uncertain significance for Joubert syndrome 23; Short-rib thoracic dysplasia 14 with polydactyly. Last evaluated: 2022-10-21. Review status: criteria provided, single submitter. Criteria: Invitae Variant Classification Sherloc (09022015). Collection method: clinical testing. Allele origin: germline.
Comment: This sequence change replaces glutamine, which is neutral and polar, with histidine, which is basic and polar, at codon 133 of the KIAA0586 protein (p.Gln133His). The frequency data for this variant in the population databases is considered unreliable, as metrics indicate poor data quality at this position in the gnomAD database. This variant has not been reported in the literature in individuals affected with KIAA0586-related conditions. ClinVar contains an entry for this variant (Variation ID: 1501087). Advanced modeling of protein sequence and biophysical properties (such as structural, functional, and spatial information, amino acid conservation, physicochemical variation, residue mobility, and thermodynamic stability) performed at Invitae indicates that this missense variant is not expected to disrupt KIAA0586 protein function. In summary, the available evidence is currently insufficient to determine the role of this variant in disease. Therefore, it has been classified as a Variant of Uncertain Significance.

NM_001329943.3(KIAA0586):c.363G>T (p.Gln121His)

Gene: KIAA0586 (KIAA0586; plus strand). Cytogenetic location: 14q23.1.
Variant type: single nucleotide variant.
Coding change: c.363G>T on transcript NM_001329943.3 (MANE Select); coding-DNA position 363, G replaced by T.
Protein change: p.Gln121His; replaces glutamine 121 with histidine.
Molecular consequence: missense variant.
Genome position (GRCh38, 1-based): chr14:58,432,410, G>T. VCF-style: chr14-58432410-G-T. GRCh37 (hg19) VCF-style: chr14-58899128-G-T.
Other names: c.399G>T, p.Gln133His (NM_001244189.2); c.318G>T, p.Gln106His (NM_001244190.2); c.108G>T, p.Gln36His (NM_001244191.2, NM_001244192.2, NM_001329945.2 and 2 more transcripts); c.363G>T, p.Gln121His (NM_001329944.2, NM_001329946.2, NM_001329947.2 and 1 more transcripts); short protein forms Q106H, Q133H, Q121H, Q36H.
Identifiers: ClinVar variation 1501087 (VCV001501087.3), dbSNP rs368352741, ClinGen allele CA261634318.